The following is an entry in ClinVar:

NM_002432.3(MNDA):c.473C>T (p.Pro158Leu)

Gene: MNDA (myeloid cell nuclear differentiation antigen; plus strand). Cytogenetic location: 1q23.1.
Variant type: single nucleotide variant.
Coding change: c.473C>T on transcript NM_002432.3 (MANE Select); coding-DNA position 473, C replaced by T.
Protein change: p.Pro158Leu; replaces proline 158 with leucine.
Molecular consequence: missense variant.
Genome position (GRCh38, 1-based): chr1:158,844,025, C>T. VCF-style: chr1-158844025-C-T. GRCh37 (hg19) VCF-style: chr1-158813815-C-T.
Other names: short protein forms P158L.
Identifiers: ClinVar variation 3397288 (VCV003397288.1).

ClinVar aggregate classification (germline): Uncertain significance (1 of 4 stars; one submission).

Submission:

Ambry Genetics
Classification: Uncertain significance. Last evaluated: 2024-09-01. Review status: criteria provided, single submitter. Criteria: Ambry Variant Classification Scheme 2023. Collection method: clinical testing. Allele origin: germline.
Comment: The p.P158L variant (also known as c.473C>T), located in coding exon 3 of the MNDA gene, results from a C to T substitution at nucleotide position 473. The proline at codon 158 is replaced by leucine, an amino acid with similar properties. This amino acid position is conserved. In addition, this alteration is predicted to be tolerated by in silico analysis. Based on the available evidence, the clinical significance of this variant remains unclear.